The following is an entry in ClinVar:

ClinVar aggregate classification (germline): Uncertain significance (1 of 4 stars; one submission).

Conditions:
Short-rib thoracic dysplasia 7 with or without polydactyly (SRTD7). Also called: Short rib polydactyly syndrome 5; SHORT-RIB THORACIC DYSPLASIA 7 WITH POLYDACTYLY. Identifiers: Orphanet 498497, Orphanet 93271, MedGen C3279792, MONDO:0013569, OMIM 614091.
Cranioectodermal dysplasia 2 (CED2). Identifiers: Orphanet 1515, MedGen C3150874, MONDO:0013323, OMIM 613610.

Allele frequency attached by ClinVar (database versions not stated): gnomAD exomes below 0.00001.

Submission:

Labcorp Genetics (formerly Invitae), Labcorp
Classification: Uncertain significance for Cranioectodermal dysplasia 2; Short-rib thoracic dysplasia 7 with or without polydactyly. Last evaluated: 2022-11-22. Review status: criteria provided, single submitter. Criteria: Invitae Variant Classification Sherloc (09022015). Collection method: clinical testing. Allele origin: germline.
Comment: In summary, the available evidence is currently insufficient to determine the role of this variant in disease. Therefore, it has been classified as a Variant of Uncertain Significance. Algorithms developed to predict the effect of sequence changes on RNA splicing suggest that this variant may disrupt the consensus splice site. ClinVar contains an entry for this variant (Variation ID: 1464646). This variant has not been reported in the literature in individuals affected with WDR35-related conditions. This variant is not present in population databases (gnomAD no frequency). This sequence change affects codon 633 of the WDR35 mRNA. It is a 'silent' change, meaning that it does not change the encoded amino acid sequence of the WDR35 protein.

NM_020779.4(WDR35):c.1866A>G (p.Gly622=)

Gene: WDR35 (WD repeat domain 35; minus strand). Cytogenetic location: 2p24.1.
Variant type: single nucleotide variant.
Coding change: c.1866A>G on transcript NM_020779.4 (MANE Select); coding-DNA position 1866, A replaced by G.
Protein change: p.Gly622=; no amino-acid change (glycine 622 retained).
Molecular consequence: synonymous variant.
Genome position (GRCh38, 1-based): chr2:19,941,819, T>C on the plus strand (A>G on the coding strand, the complement: WDR35 is on the minus strand). VCF-style: chr2-19941819-T-C. GRCh37 (hg19) VCF-style: chr2-20141580-T-C.
Other names: c.1899A>G, p.Gly633= (NM_001006657.2).
Identifiers: ClinVar variation 1464646 (VCV001464646.6), dbSNP rs2103410659, ClinGen allele CA425119730.